The following is an entry in ClinVar:

NM_002858.4(ABCD3):c.130C>T (p.Pro44Ser)

Gene: ABCD3 (ATP binding cassette subfamily D member 3; plus strand). Cytogenetic location: 1p21.3.
Variant type: single nucleotide variant.
Coding change: c.130C>T on transcript NM_002858.4 (MANE Select); coding-DNA position 130, C replaced by T.
Protein change: p.Pro44Ser; replaces proline 44 with serine.
Molecular consequence: missense variant.
Genome position (GRCh38, 1-based): chr1:94,458,626, C>T. VCF-style: chr1-94458626-C-T. GRCh37 (hg19) VCF-style: chr1-94924182-C-T.
Other names: c.130C>T, p.Pro44Ser (NM_001122674.2); short protein forms P44S.
Identifiers: ClinVar variation 4983974 (VCV004983974.1).

ClinVar aggregate classification (germline): Uncertain significance (1 of 4 stars; one submission).

Conditions:
ABCD3-related disorder. Also called: ABCD3-related condition.

gnomAD v4.1: 7 of 1,612,772 alleles (0.00043%); highest among the groups gnomAD compares: East Asian, 0.016%; no homozygotes.

Submission:

PreventionGenetics, part of Exact Sciences
Classification: Uncertain significance for ABCD3-related condition. Last evaluated: 2026-07-21. Review status: criteria provided, single submitter. Criteria: ACMG Guidelines, 2015. Collection method: clinical testing. Allele origin: germline.
Comment: The ABCD3 c.130C>T variant is predicted to result in the amino acid substitution p.Pro44Ser. This variant was reported in individuals with intrahepatic cholestasis of pregnancy (Table S3, Liu et al. 2022. PubMed ID: 36046230; Deng et al. 2025. PubMed ID: 39814052). This variant is reported in 0.022% of alleles in individuals of East Asian descent in gnomAD. At this time, the clinical significance of this variant is uncertain due to the absence of conclusive functional and genetic evidence.